The following is an entry in ClinVar:

NM_000465.4(BARD1):c.128G>A (p.Arg43His)

Gene: BARD1 (BRCA1 associated RING domain 1; minus strand). Cytogenetic location: 2q35.
Variant type: single nucleotide variant.
Coding change: c.128G>A on transcript NM_000465.4 (MANE Select); coding-DNA position 128, G replaced by A.
Protein change: p.Arg43His; replaces arginine 43 with histidine.
Molecular consequence: missense variant. On other transcripts: non-coding transcript variant (3).
Genome position (GRCh38, 1-based): chr2:214,809,442, C>T on the plus strand (G>A on the coding strand, the complement: BARD1 is on the minus strand). VCF-style: chr2-214809442-C-T. GRCh37 (hg19) VCF-style: chr2-215674166-C-T.
Other names: c.128G>A, p.Arg43His (NM_001282543.2, NM_001282545.2, NM_001282548.2 and 1 more transcripts); short protein forms R43H.
Identifiers: ClinVar variation 628134 (VCV000628134.20), dbSNP rs1060501305, ClinGen allele CA350464911.

ClinVar aggregate classification (germline): Uncertain significance. Review status: criteria provided, multiple submitters, no conflicts (2 of 4 stars). 3 submissions from 3 submitters: Uncertain significance (3). Last evaluated 2025-04-21.

Conditions:
Hereditary cancer-predisposing syndrome. Also called: Neoplastic Syndromes, Hereditary; Tumor predisposition; Hereditary neoplastic syndrome; Hereditary Cancer Syndrome. Identifiers: Orphanet 140162, MedGen C0027672, MeSH D009386, MONDO:0015356.
Familial cancer of breast. Also called: BREAST CANCER, FAMILIAL; Hereditary breast cancer; hereditary breast carcinoma. Identifiers: Orphanet 227535, MedGen C0346153, MONDO:0016419, OMIM 114480. Disease mechanism: loss of function.

Submissions (3):

Ambry Genetics
Classification: Uncertain significance for Hereditary cancer-predisposing syndrome. Last evaluated: 2025-04-21. Review status: criteria provided, single submitter. Criteria: Ambry Variant Classification Scheme 2023. Collection method: clinical testing. Allele origin: germline.
Comment: The p.R43H variant (also known as c.128G>A), located in coding exon 1 of the BARD1 gene, results from a G to A substitution at nucleotide position 128. The arginine at codon 43 is replaced by histidine, an amino acid with highly similar properties. This amino acid position is highly conserved in available vertebrate species. In addition, this alteration is predicted to be tolerated by in silico analysis. Based on the available evidence, the clinical significance of this variant remains unclear.

Labcorp Genetics (formerly Invitae), Labcorp
Classification: Uncertain significance for Familial cancer of breast. Last evaluated: 2024-03-14. Review status: criteria provided, single submitter. Criteria: Invitae Variant Classification Sherloc (09022015). Collection method: clinical testing. Allele origin: germline.
Comment: This sequence change replaces arginine, which is basic and polar, with histidine, which is basic and polar, at codon 43 of the BARD1 protein (p.Arg43His). This variant is not present in population databases (gnomAD no frequency). This variant has not been reported in the literature in individuals affected with BARD1-related conditions. ClinVar contains an entry for this variant (Variation ID: 628134). An algorithm developed to predict the effect of missense changes on protein structure and function (PolyPhen-2) suggests that this variant is likely to be tolerated. In summary, the available evidence is currently insufficient to determine the role of this variant in disease. Therefore, it has been classified as a Variant of Uncertain Significance.

Color Diagnostics, LLC DBA Color Health
Classification: Uncertain significance for Hereditary cancer-predisposing syndrome. Last evaluated: 2023-12-05. Review status: criteria provided, single submitter. Criteria: ACMG Guidelines, 2015. Collection method: clinical testing. Allele origin: germline.
Comment: This missense variant replaces arginine with histidine at codon 43 of the BARD1 protein. Computational prediction suggests that this variant may not impact protein structure and function (internally defined REVEL score threshold <= 0.5, PMID: 27666373). To our knowledge, functional studies have not been reported for this variant. This variant has not been reported in individuals affected with BARD1-related disorders in the literature. This variant has not been identified in the general population by the Genome Aggregation Database (gnomAD). The available evidence is insufficient to determine the role of this variant in disease conclusively. Therefore, this variant is classified as a Variant of Uncertain Significance.